The following is an entry in ClinVar:

NM_020829.4(RIC1):c.981C>T (p.Tyr327=)

Gene: RIC1 (RIC1 partner of RAB6A GEF complex; plus strand). Cytogenetic location: 9p24.1.
Variant type: single nucleotide variant.
Coding change: c.981C>T on transcript NM_020829.4 (MANE Select); coding-DNA position 981, C replaced by T.
Protein change: p.Tyr327=; no amino-acid change (tyrosine 327 retained).
Molecular consequence: synonymous variant.
Genome position (GRCh38, 1-based): chr9:5,742,948, C>T. VCF-style: chr9-5742948-C-T. GRCh37 (hg19) VCF-style: chr9-5742948-C-T.
Other names: c.981C>T, p.Tyr327= (NM_001135920.4, NM_001206557.2).
Identifiers: ClinVar variation 3025825 (VCV003025825.23), dbSNP rs375672479, ClinGen allele CA4974440.

ClinVar aggregate classification (germline): Likely benign. Review status: criteria provided, multiple submitters, no conflicts (2 of 4 stars). 2 submissions from 2 submitters: Likely benign (2). Last evaluated 2024-11-17.

Allele frequency attached by ClinVar (database versions not stated): gnomAD 0.00006; TOPMed 0.00006; ESP Exome Variant Server 0.00008; gnomAD exomes 0.00009; ExAC 0.00015.
gnomAD v4.1: 143 of 1,613,274 alleles (0.0089%); highest among the groups gnomAD compares: South Asian, 0.07%; 3 homozygotes.

Submissions (2):

Blueprint Genetics
Classification: Likely benign. Last evaluated: 2024-11-17. Review status: criteria provided, single submitter. Criteria: ACMG Guidelines, 2015. Collection method: clinical testing. Allele origin: germline.

CeGaT Center for Human Genetics Tuebingen
Classification: Likely benign. Last evaluated: 2024-01-01. Review status: criteria provided, single submitter. Criteria: CeGaT Center For Human Genetics Tuebingen Variant Classification Criteria Version 2. Collection method: clinical testing. Allele origin: germline. Affected: yes. Observed: 1 variant allele.
Comment: RIC1: BP4, BP7